The following is an entry in ClinVar:

NM_000484.4(APP):c.713AAG[5] (p.Glu241_Ala242insGlu)

Gene: APP (amyloid beta precursor protein; minus strand). Cytogenetic location: 21q21.3.
Variant type: Microsatellite.
Coding change: c.713AAG[5] on transcript NM_000484.4 (MANE Select); five copies in a row of the 3-base unit AAG starting at c.713; the reference has four copies in a row; one copy, 3 bases duplicated.
Protein change: p.Glu241_Ala242insGlu.
Molecular consequence: inframe insertion.
Genome position (GRCh38, 1-based): chr21:26,021,981-26,021,983, CTT duplicated on the plus strand (AAG on the coding strand, the reverse complement: APP is on the minus strand); duplicating any 3 consecutive bases within chr21:26,021,981-26,021,993 gives the same sequence; the position shown is the placement nearest the transcript's 3' end. VCF-style (leftmost placement, unchanged base first): chr21-26021980-G-GCTT. GRCh37 (hg19) VCF-style: chr21-27394296-G-GCTT.
Other names: c.698AAG[5], p.Glu236_Ala237insGlu (NM_001136016.3); c.545AAG[5], p.Glu185_Ala186insGlu (NM_001136129.3, NM_001136130.3); c.608AAG[5], p.Glu206_Ala207insGlu (NM_001136131.3); c.713AAG[5], p.Glu241_Ala242insGlu (NM_001204301.2, NM_001204302.2, NM_001204303.2 and 3 more transcripts).
Identifiers: ClinVar variation 2041960 (VCV002041960.4), dbSNP rs754150568, ClinGen allele CA9987580.

ClinVar aggregate classification (germline): Uncertain significance (1 of 4 stars; one submission).

Conditions:
Alzheimer disease. Also called: Presenile and senile dementia; Alzheimer's disease. Identifiers: Orphanet 1020, MedGen C0002395, MeSH D000544, MONDO:0004975, HP:0002511.

Submission:

Labcorp Genetics (formerly Invitae), Labcorp
Classification: Uncertain significance for Alzheimer disease. Last evaluated: 2023-08-16. Review status: criteria provided, single submitter. Criteria: Invitae Variant Classification Sherloc (09022015). Collection method: clinical testing. Allele origin: germline.
Comment: This variant, c.722_724dup, results in the insertion of 1 amino acid(s) of the APP protein (p.Glu241dup), but otherwise preserves the integrity of the reading frame. This variant is present in population databases (rs754150568, gnomAD 0.01%). This variant has not been reported in the literature in individuals affected with APP-related conditions. Experimental studies and prediction algorithms are not available or were not evaluated, and the functional significance of this variant is currently unknown. In summary, the available evidence is currently insufficient to determine the role of this variant in disease. Therefore, it has been classified as a Variant of Uncertain Significance.